The following is an entry in ClinVar:

NM_015466.4(PTPN23):c.3967G>A (p.Val1323Ile)

Gene: PTPN23 (protein tyrosine phosphatase non-receptor type 23; plus strand). Cytogenetic location: 3p21.31.
Variant type: single nucleotide variant.
Coding change: c.3967G>A on transcript NM_015466.4 (MANE Select); coding-DNA position 3967, G replaced by A.
Protein change: p.Val1323Ile; replaces valine 1323 with isoleucine.
Molecular consequence: missense variant.
Genome position (GRCh38, 1-based): chr3:47,411,861, G>A. VCF-style: chr3-47411861-G-A. GRCh37 (hg19) VCF-style: chr3-47453351-G-A.
Other names: c.3589G>A, p.Val1197Ile (NM_001304482.2); c.3967G>A (NM_015466.2); short protein forms V1197I, V1323I.
Identifiers: ClinVar variation 1517407 (VCV001517407.4), dbSNP rs778612238, ClinGen allele CA2366413.

ClinVar aggregate classification (germline): Uncertain significance. Review status: criteria provided, multiple submitters, no conflicts (2 of 4 stars). 2 submissions from 2 submitters: Uncertain significance (2). Last evaluated 2023-07-12.

Conditions:
Inborn genetic diseases. Identifiers: MedGen C0950123, MeSH D030342.

Allele frequency attached by ClinVar (database versions not stated): gnomAD exomes 0.00004; ExAC 0.00006; gnomAD 0.00009 and 0.00010.

Submissions (2):

Ambry Genetics
Classification: Uncertain significance for Inborn genetic diseases. Last evaluated: 2023-07-12. Review status: criteria provided, single submitter. Criteria: Ambry Variant Classification Scheme 2023. Collection method: clinical testing. Allele origin: germline.

Labcorp Genetics (formerly Invitae), Labcorp
Classification: Uncertain significance. Last evaluated: 2022-10-13. Review status: criteria provided, single submitter. Criteria: Invitae Variant Classification Sherloc (09022015). Collection method: clinical testing. Allele origin: germline.
Comment: This sequence change replaces valine, which is neutral and non-polar, with isoleucine, which is neutral and non-polar, at codon 1323 of the PTPN23 protein (p.Val1323Ile). The frequency data for this variant in the population databases is considered unreliable, as metrics indicate poor data quality at this position in the gnomAD database. This variant has not been reported in the literature in individuals affected with PTPN23-related conditions. ClinVar contains an entry for this variant (Variation ID: 1517407). Algorithms developed to predict the effect of missense changes on protein structure and function (SIFT, PolyPhen-2, Align-GVGD) all suggest that this variant is likely to be tolerated. In summary, the available evidence is currently insufficient to determine the role of this variant in disease. Therefore, it has been classified as a Variant of Uncertain Significance.